The following is an entry in ClinVar:

ClinVar aggregate classification (germline): Pathogenic (1 of 4 stars; one submission).

Conditions:
Duchenne muscular dystrophy (DMD). Also called: Duchenne Muscular Dystrophy (DMD); MUSCULAR DYSTROPHY, PSEUDOHYPERTROPHIC PROGRESSIVE, DUCHENNE TYPE. Identifiers: Orphanet 98896, MedGen C0013264, MONDO:0010679, OMIM 310200.

Submission:

Labcorp Genetics (formerly Invitae), Labcorp
Classification: Pathogenic for Duchenne muscular dystrophy. Last evaluated: 2022-08-20. Review status: criteria provided, single submitter. Criteria: Invitae Variant Classification Sherloc (09022015). Collection method: clinical testing. Allele origin: germline.
Comment: For these reasons, this variant has been classified as Pathogenic. A similar copy number variant has been observed in individual(s) with Duchenne muscular dystrophy (PMID: 19937601). This variant is a gross deletion of the genomic region encompassing exon(s) 46-60 of the DMD gene. This deletion is out-of-frame, and is expected to create a premature termination codon and result in an absent or disrupted protein product. Loss-of-function variants in DMD are known to be pathogenic (PMID: 16770791, 25007885).

Literature cited by the submitters: PubMed 19937601; PubMed 16770791; PubMed 25007885.

NC_000023.10:g.(?_31462578)_(31950364_?)del

Gene: DMD (dystrophin; minus strand). Cytogenetic location: Xp21.2-21.1.
Variant type: Deletion.
Identifiers: ClinVar variation 2424916 (VCV002424916.5).